The following is an entry in ClinVar:

ClinVar aggregate classification (germline): Uncertain significance (1 of 4 stars; one submission).

Submission:

GeneDx
Classification: Uncertain significance. Last evaluated: 2019-06-20. Review status: criteria provided, single submitter. Criteria: GeneDx Variant Classification Process June 2021. Collection method: clinical testing. Allele origin: germline. Affected: yes.
Comment: Not observed in large population cohorts (Lek et al., 2016); In silico analysis, which includes protein predictors and evolutionary conservation, supports a deleterious effect; Has not been previously published as pathogenic or benign to our knowledge

NM_001372044.2(SHANK3):c.2074G>C (p.Gly692Arg)

Genes: SHANK3 (SH3 and multiple ankyrin repeat domains 3; plus strand), LOC126863188 (CDK7 strongly-dependent group 2 enhancer GRCh37_chr22:51142004-51143203; plus strand). Cytogenetic location: 22q13.33.
Variant type: single nucleotide variant.
Coding change: c.2074G>C on transcript NM_001372044.2 (MANE Select); coding-DNA position 2074, G replaced by C.
Protein change: p.Gly692Arg; replaces glycine 692 with arginine.
Molecular consequence: missense variant.
Genome position (GRCh38, 1-based): chr22:50,704,815, G>C. VCF-style: chr22-50704815-G-C. GRCh37 (hg19) VCF-style: chr22-51143243-G-C.
Other names: c.1849G>C (NM_033517.1); short protein forms G692R.
Identifiers: ClinVar variation 1302198 (VCV001302198.2), dbSNP rs2146808174, ClinGen allele CA515256482.